The following is an entry in ClinVar:

NM_016333.4(SRRM2):c.4129_4131del (p.Arg1377del)

Gene: SRRM2 (serine/arginine repetitive matrix 2; plus strand). Cytogenetic location: 16p13.3.
Variant type: Deletion.
Coding change: c.4129_4131del on transcript NM_016333.4 (MANE Select); coding-DNA positions 4129 to 4131, 3 bases deleted (AGA; older notation c.4129_4131delAGA).
Protein change: p.Arg1377del; deletes arginine 1377.
Molecular consequence: inframe deletion.
Genome position (GRCh38, 1-based): chr16:2,764,657-2,764,659, AGA deleted; deleting any 3 consecutive bases within chr16:2,764,656-2,764,659 gives the same sequence; the c. name uses the placement nearest the transcript's 3' end. VCF-style (leftmost placement, unchanged base first): chr16-2764655-CAAG-C. GRCh37 (hg19) VCF-style: chr16-2814656-CAAG-C.
Other names: short protein forms R1377del.
Identifiers: ClinVar variation 3367648 (VCV003367648.1).

ClinVar aggregate classification (germline): Uncertain significance (1 of 4 stars; one submission).

Submission:

GeneDx
Classification: Uncertain significance. Last evaluated: 2024-01-16. Review status: criteria provided, single submitter. Criteria: GeneDx Variant Classification Process June 2021. Collection method: clinical testing. Allele origin: germline. Affected: yes.
Comment: Not observed at significant frequency in large population cohorts (gnomAD); In-frame deletion of 1 amino acid in a non-repeat region; In silico analysis supports that this variant does not alter protein structure/function; Has not been previously published as pathogenic or benign to our knowledge